The following is an entry in ClinVar:

NM_000329.3(RPE65):c.725+5C>T

Gene: RPE65 (retinoid isomerohydrolase RPE65; minus strand). Cytogenetic location: 1p31.3.
Variant type: single nucleotide variant.
Coding change: c.725+5C>T on transcript NM_000329.3 (MANE Select); 5 bases into the intron after coding-DNA position 725, C replaced by T.
Molecular consequence: intron variant.
Genome position (GRCh38, 1-based): chr1:68,439,556, G>A on the plus strand (C>T on the coding strand, the complement: RPE65 is on the minus strand). VCF-style: chr1-68439556-G-A. GRCh37 (hg19) VCF-style: chr1-68905239-G-A.
Identifiers: ClinVar variation 1395333 (VCV001395333.3), dbSNP rs923933222, ClinGen allele CA23570981.

ClinVar aggregate classification (germline): Uncertain significance (1 of 4 stars; one submission).

Conditions:
Leber congenital amaurosis 2 (LCA2). Also called: Autosomal Recessive RPE65-Related Retinal Degeneration; AMAUROSIS CONGENITA OF LEBER II. Identifiers: Orphanet 65, MedGen C1859844, MONDO:0008765, OMIM 204100. Disease mechanism: loss of function.
Retinitis pigmentosa 20 (RP20). Identifiers: Orphanet 791, MedGen C3151086, MONDO:0013425, OMIM 613794.

Allele frequency attached by ClinVar (database versions not stated): gnomAD exomes below 0.00001.
gnomAD v4.1: 7 of 1,613,658 alleles (0.00043%); highest among the groups gnomAD compares: Middle Eastern, 0.016%; no homozygotes.

Submission:

Labcorp Genetics (formerly Invitae), Labcorp
Classification: Uncertain significance for Leber congenital amaurosis 2; Retinitis pigmentosa 20. Last evaluated: 2021-09-03. Review status: criteria provided, single submitter. Criteria: Invitae Variant Classification Sherloc (09022015). Collection method: clinical testing. Allele origin: germline.
Comment: This sequence change falls in intron 7 of the RPE65 gene. It does not directly change the encoded amino acid sequence of the RPE65 protein, but it affects a nucleotide within the consensus splice site of the intron. This variant is not present in population databases (ExAC no frequency). This variant has not been reported in the literature in individuals with RPE65-related conditions. Nucleotide substitutions within the consensus splice site are a relatively common cause of aberrant splicing (PMID: 17576681, 9536098). Algorithms developed to predict the effect of sequence changes on RNA splicing suggest that this variant is not likely to affect RNA splicing, but this prediction has not been confirmed by published transcriptional studies. In summary, the available evidence is currently insufficient to determine the role of this variant in disease. Therefore, it has been classified as a Variant of Uncertain Significance.

Literature cited by the submitters: PubMed 17576681; PubMed 9536098.